The following is an entry in ClinVar:

ClinVar aggregate classification (germline): Benign. Review status: criteria provided, multiple submitters, no conflicts (2 of 4 stars). 3 submissions from 3 submitters: Benign (2). 1 of the submissions does not count toward it. Last evaluated 2026-07-01.

Conditions:
RINT1-related disorder. Also called: RINT1-related condition.

Allele frequency attached by ClinVar (database versions not stated): 1000 Genomes Project 0.00319; 1000 Genomes Project 30x 0.00328; gnomAD exomes 0.00659 and 0.01074; ExAC 0.00669; TOPMed 0.00704; gnomAD 0.00713 and 0.00735; ESP Exome Variant Server 0.00838.
gnomAD v4.1: 16,555 of 1,613,114 alleles (1%); highest among the groups gnomAD compares: Non-Finnish European, 1.3%; 122 homozygotes.

Submissions (3):

CeGaT Center for Human Genetics Tuebingen
Classification: Benign. Last evaluated: 2026-07-01. Review status: criteria provided, single submitter. Criteria: CeGaT Center For Human Genetics Tuebingen Variant Classification Criteria Version 2. Collection method: clinical testing. Allele origin: germline. Affected: yes. Observed: 112 variant alleles.
Comment: RINT1: BP4, BS1, BS2; EFCAB10: BS1, BS2

Labcorp Genetics (formerly Invitae), Labcorp
Classification: Benign. Last evaluated: 2026-02-01. Review status: criteria provided, single submitter. Criteria: Invitae Variant Classification Sherloc (09022015). Collection method: clinical testing. Allele origin: germline.

PreventionGenetics, part of Exact Sciences
Classification: Benign for RINT1-related condition. Last evaluated: 2019-02-27. Review status: no assertion criteria provided. Collection method: clinical testing. Allele origin: germline. Not counted in ClinVar's aggregate classification.
Comment: This variant is classified as benign based on ACMG/AMP sequence variant interpretation guidelines (Richards et al. 2015 PMID: 25741868, with internal and published modifications).

NM_001355526.2(EFCAB10):c.384-16A>T

Genes: EFCAB10 (EF-hand calcium binding domain 10; minus strand), RINT1 (RAD50 interactor 1; plus strand). Cytogenetic location: 7q22.3.
Variant type: single nucleotide variant.
Coding change: c.384-16A>T on transcript NM_001355526.2 (MANE Select); 16 bases into the intron before coding-DNA position 384, A replaced by T.
Molecular consequence: intron variant. On other transcripts: 3 prime UTR variant (1).
Genome position (GRCh38, 1-based): chr7:105,565,463, T>A on the plus strand (A>T on the coding strand, the complement: EFCAB10 is on the minus strand). VCF-style: chr7-105565463-T-A. GRCh37 (hg19) VCF-style: chr7-105205910-T-A.
Other names: c.*86A>T (NM_001355530.2); c.2067+6T>A (NM_021930.6); c.1044+6T>A (NM_001346600.2, NM_001346603.2); c.1143+6T>A (NM_001346601.2); c.1833+6T>A (NM_001346599.2); c.360-16A>T (NM_001355531.2).
Identifiers: ClinVar variation 241403 (VCV000241403.36), dbSNP rs112914598, ClinGen allele CA4426850.